The following is an entry in ClinVar:

NM_001287.6(CLCN7):c.2250G>C (p.Gln750His)

Gene: CLCN7 (chloride voltage-gated channel 7; minus strand). Cytogenetic location: 16p13.3.
Variant type: single nucleotide variant.
Coding change: c.2250G>C on transcript NM_001287.6 (MANE Select); coding-DNA position 2250, G replaced by C.
Protein change: p.Gln750His; replaces glutamine 750 with histidine.
Molecular consequence: missense variant.
Genome position (GRCh38, 1-based): chr16:1,447,392, C>G on the plus strand (G>C on the coding strand, the complement: CLCN7 is on the minus strand). VCF-style: chr16-1447392-C-G. GRCh37 (hg19) VCF-style: chr16-1497393-C-G.
Other names: c.2178G>C, p.Gln726His (NM_001114331.3); short protein forms Q750H, Q726H.
Identifiers: ClinVar variation 1348047 (VCV001348047.8), dbSNP rs2142365554, ClinGen allele CA394185447.

ClinVar aggregate classification (germline): Likely pathogenic (1 of 4 stars; one submission).

Submission:

Labcorp Genetics (formerly Invitae), Labcorp
Classification: Likely pathogenic. Last evaluated: 2023-10-30. Review status: criteria provided, single submitter. Criteria: Invitae Variant Classification Sherloc (09022015). Collection method: clinical testing. Allele origin: germline.
Comment: This sequence change replaces glutamine, which is neutral and polar, with histidine, which is basic and polar, at codon 750 of the CLCN7 protein (p.Gln750His). This variant also falls at the last nucleotide of exon 23, which is part of the consensus splice site for this exon. This variant is not present in population databases (gnomAD no frequency). This missense change has been observed in individual(s) with autosomal dominant osteopetrosis (Invitae). In at least one individual the variant was observed to be de novo. ClinVar contains an entry for this variant (Variation ID: 1348047). An algorithm developed to predict the effect of missense changes on protein structure and function (PolyPhen-2) suggests that this variant is likely to be tolerated. Variants that disrupt the consensus splice site are a relatively common cause of aberrant splicing (PMID: 17576681, 9536098). Algorithms developed to predict the effect of sequence changes on RNA splicing suggest that this variant may disrupt the consensus splice site. In summary, the currently available evidence indicates that the variant is pathogenic, but additional data are needed to prove that conclusively. Therefore, this variant has been classified as Likely Pathogenic.

Literature cited by the submitters: PubMed 17576681; PubMed 9536098.